The following is an entry in ClinVar:

ClinVar aggregate classification (germline): Uncertain significance. Review status: criteria provided, multiple submitters, no conflicts (2 of 4 stars). 2 submissions from 2 submitters: Uncertain significance (2). Last evaluated 2024-04-16.

Conditions:
BRCA2-related cancer predisposition. Identifiers: MedGen CN377758, MONDO:0700269.
Hereditary breast ovarian cancer syndrome. Also called: BRCA1- and BRCA2-Associated Hereditary Breast and Ovarian Cancer; Hereditary breast and ovarian cancer syndrome (HBOC); Hereditary breast and/or ovarian cancer syndrome; Hereditary breast and ovarian cancer syndrome; Breast and ovarian cancer; Hereditary breast and ovarian cancer. Identifiers: Orphanet 145, MedGen C0677776, MeSH D061325, MONDO:0003582. Disease mechanism: loss of function.

Submissions (2):

All of Us Research Program, National Institutes of Health
Classification: Uncertain significance for BRCA2-related cancer predisposition. Last evaluated: 2024-04-16. Review status: criteria provided, single submitter. Criteria: ACMG Guidelines, 2015. Collection method: clinical testing. Allele origin: germline. Inheritance: Autosomal dominant inheritance. Observed: 1 variant allele, 1 heterozygote.
Comment: This missense variant replaces histidine with asparagine at codon 2440 of the BRCA2 protein. Computational prediction suggests that this variant may not impact protein structure and function. To our knowledge, functional studies have not been reported for this variant. This variant has not been reported in individuals affected with BRCA2-related disorders in the literature. This variant has not been identified in the general population by the Genome Aggregation Database (gnomAD). The available evidence is insufficient to determine the role of this variant in disease conclusively. Therefore, this variant is classified as a Variant of Uncertain Significance.

This study involves interpretation of variants in research participants for the purpose of population health screening. Participant phenotype was not available at the time of variant classification. Additional details can be found in publication PMID: 35346344, PMCID: PMC8962531

Labcorp Genetics (formerly Invitae), Labcorp
Classification: Uncertain significance for Hereditary breast ovarian cancer syndrome. Last evaluated: 2023-01-05. Review status: criteria provided, single submitter. Criteria: Invitae Variant Classification Sherloc (09022015). Collection method: clinical testing. Allele origin: germline.
Comment: In summary, the available evidence is currently insufficient to determine the role of this variant in disease. Therefore, it has been classified as a Variant of Uncertain Significance. Advanced modeling of protein sequence and biophysical properties (such as structural, functional, and spatial information, amino acid conservation, physicochemical variation, residue mobility, and thermodynamic stability) performed at Invitae indicates that this missense variant is not expected to disrupt BRCA2 protein function. This variant has not been reported in the literature in individuals affected with BRCA2-related conditions. This variant is not present in population databases (gnomAD no frequency). This sequence change replaces histidine, which is basic and polar, with asparagine, which is neutral and polar, at codon 2440 of the BRCA2 protein (p.His2440Asn).

NM_000059.4(BRCA2):c.7318C>A (p.His2440Asn)

Gene: BRCA2 (BRCA2 DNA repair associated; plus strand). Cytogenetic location: 13q13.1.
Variant type: single nucleotide variant.
Coding change: c.7318C>A on transcript NM_000059.4 (MANE Select); coding-DNA position 7318, C replaced by A.
Protein change: p.His2440Asn; replaces histidine 2440 with asparagine.
Molecular consequence: missense variant. On other transcripts: non-coding transcript variant (1).
Genome position (GRCh38, 1-based): chr13:32,355,171, C>A. VCF-style: chr13-32355171-C-A. GRCh37 (hg19) VCF-style: chr13-32929308-C-A.
Other names: c.7222C>A, p.His2408Asn (NM_001406719.1); c.7318C>A, p.His2440Asn (NM_001406720.1); c.2386C>A, p.His796Asn (NM_001406721.1); c.901C>A, p.His301Asn (NM_001406722.1); short protein forms H2408N, H796N, H2440N, H301N.
Identifiers: ClinVar variation 3008622 (VCV003008622.2), dbSNP rs1555286077, ClinGen allele CA387741077.